The following is an entry in ClinVar:

ClinVar aggregate classification (germline): Benign/Likely benign. Review status: criteria provided, multiple submitters, no conflicts (2 of 4 stars). 4 submissions from 4 submitters: Benign (1); Likely benign (3). Last evaluated 2024-08-21.

Conditions:
Hereditary cancer-predisposing syndrome. Also called: Tumor predisposition; Neoplastic Syndromes, Hereditary; Hereditary Cancer Syndrome; Hereditary neoplastic syndrome. Identifiers: Orphanet 140162, MedGen C0027672, MeSH D009386, MONDO:0015356.
Familial cancer of breast. Also called: BREAST CANCER, FAMILIAL; Hereditary breast cancer; hereditary breast carcinoma. Identifiers: Orphanet 227535, MedGen C0346153, MONDO:0016419, OMIM 114480. Disease mechanism: loss of function.
Ataxia-telangiectasia syndrome (AT). Also called: Cerebello-oculocutaneous telangiectasia; Immunodeficiency with ataxia telangiectasia; ATAXIA-TELANGIECTASIA, COMPLEMENTATION GROUP A; Ataxia-telangiectasia, complementation group D; AT, COMPLEMENTATION GROUP C; ATAXIA-TELANGIECTASIA, FRESNO VARIANT. Identifiers: Orphanet 100, MedGen C0004135, MONDO:0008840, OMIM 208900.

Submissions (4):

Labcorp Genetics (formerly Invitae), Labcorp
Classification: Likely benign for Ataxia-telangiectasia syndrome. Last evaluated: 2024-08-21. Review status: criteria provided, single submitter. Criteria: Invitae Variant Classification Sherloc (09022015). Collection method: clinical testing. Allele origin: germline.

Myriad Genetics, Inc.
Classification: Benign for Familial cancer of breast. Last evaluated: 2024-05-01. Review status: criteria provided, single submitter. Criteria: Myriad Autosomal Dominant, Autosomal Recessive and X-Linked Classification Criteria (2023). Collection method: clinical testing. Allele origin: unknown.
Comment: This variant is considered benign. This variant is a silent/synonymous amino acid change and it is not expected to impact splicing.

Color Diagnostics, LLC DBA Color Health
Classification: Likely benign for Hereditary cancer-predisposing syndrome. Last evaluated: 2017-06-06. Review status: criteria provided, single submitter. Criteria: ACMG Guidelines, 2015. Collection method: clinical testing. Allele origin: germline.

Ambry Genetics
Classification: Likely benign for Hereditary cancer-predisposing syndrome. Last evaluated: 2016-01-14. Review status: criteria provided, single submitter. Criteria: Ambry Variant Classification Scheme 2023. Collection method: clinical testing. Allele origin: germline.

NM_000051.4(ATM):c.1734A>G (p.Lys578=)

Gene: ATM (ATM serine/threonine kinase; plus strand). Cytogenetic location: 11q22.3.
Variant type: single nucleotide variant.
Coding change: c.1734A>G on transcript NM_000051.4 (MANE Select); coding-DNA position 1734, A replaced by G.
Protein change: p.Lys578=; no amino-acid change (lysine 578 retained).
Molecular consequence: synonymous variant.
Genome position (GRCh38, 1-based): chr11:108,251,963, A>G. VCF-style: chr11-108251963-A-G. GRCh37 (hg19) VCF-style: chr11-108122690-A-G.
Other names: c.1734A>G, p.Lys578= (NM_001351834.2).
Identifiers: ClinVar variation 478944 (VCV000478944.19), dbSNP rs1555071939, ClinGen allele CA476672157.